The following is an entry in ClinVar:

NM_000497.4(CYP11B1):c.554C>T (p.Thr185Ile)

Genes: CYP11B1 (cytochrome P450 family 11 subfamily B member 1; minus strand), LOC106799833 (CYP11B1 recombination region; plus strand). Cytogenetic location: 8q24.3.
Variant type: single nucleotide variant.
Coding change: c.554C>T on transcript NM_000497.4 (MANE Select); coding-DNA position 554, C replaced by T.
Protein change: p.Thr185Ile; replaces threonine 185 with isoleucine.
Molecular consequence: missense variant.
Genome position (GRCh38, 1-based): chr8:142,877,064, G>A on the plus strand (C>T on the coding strand, the complement: CYP11B1 is on the minus strand). VCF-style: chr8-142877064-G-A. GRCh37 (hg19) VCF-style: chr8-143958480-G-A.
Other names: c.554C>T, p.Thr185Ile (NM_001026213.1); short protein forms T185I.
Identifiers: ClinVar variation 4738731 (VCV004738731.1).

ClinVar aggregate classification (germline): Uncertain significance (1 of 4 stars; one submission).

gnomAD v4.1: 6 of 1,613,822 alleles (0.00037%); highest among the groups gnomAD compares: Admixed American, 0.0083%; no homozygotes.

Submission:

Labcorp Genetics (formerly Invitae), Labcorp
Classification: Uncertain significance. Last evaluated: 2025-03-13. Review status: criteria provided, single submitter. Criteria: Invitae Variant Classification Sherloc (09022015). Collection method: clinical testing. Allele origin: germline.
Comment: This sequence change replaces threonine, which is neutral and polar, with isoleucine, which is neutral and non-polar, at codon 185 of the CYP11B1 protein (p.Thr185Ile). This variant is present in population databases (no rsID available, gnomAD 0.006%). This variant has not been reported in the literature in individuals affected with CYP11B1-related conditions. Invitae Evidence Modeling of protein sequence and biophysical properties (such as structural, functional, and spatial information, amino acid conservation, physicochemical variation, residue mobility, and thermodynamic stability) indicates that this missense variant is not expected to disrupt CYP11B1 protein function with a negative predictive value of 95%. In summary, the available evidence is currently insufficient to determine the role of this variant in disease. Therefore, it has been classified as a Variant of Uncertain Significance.